The following is an entry in ClinVar:

ClinVar aggregate classification (germline): Likely benign (1 of 4 stars; one submission).

Allele frequency attached by ClinVar (database versions not stated): gnomAD 0.00001.
gnomAD v4.1: 4 of 1,607,980 alleles (0.00025%); highest among the groups gnomAD compares: Middle Eastern, 0.017%; no homozygotes.

Submission:

CeGaT Center for Human Genetics Tuebingen
Classification: Likely benign. Last evaluated: 2022-07-01. Review status: criteria provided, single submitter. Criteria: CeGaT Center For Human Genetics Tuebingen Variant Classification Criteria Version 2. Collection method: clinical testing. Allele origin: germline. Affected: yes. Observed: 1 variant allele.
Comment: HIVEP3: BP4, BP7

NM_024503.5(HIVEP3):c.6426T>C (p.Ser2142=)

Gene: HIVEP3 (HIVEP zinc finger 3; minus strand). Cytogenetic location: 1p34.2.
Variant type: single nucleotide variant.
Coding change: c.6426T>C on transcript NM_024503.5 (MANE Select); coding-DNA position 6426, T replaced by C.
Protein change: p.Ser2142=; no amino-acid change (serine 2142 retained).
Molecular consequence: synonymous variant.
Genome position (GRCh38, 1-based): chr1:41,511,246, A>G on the plus strand (T>C on the coding strand, the complement: HIVEP3 is on the minus strand). VCF-style: chr1-41511246-A-G. GRCh37 (hg19) VCF-style: chr1-41976917-A-G.
Other names: c.6423T>C, p.Ser2141= (NM_001127714.3).
Identifiers: ClinVar variation 2638730 (VCV002638730.24), dbSNP rs1485538064, ClinGen allele CA417536805.